The following is an entry in ClinVar:

ClinVar aggregate classification (germline): Uncertain significance. Review status: criteria provided, multiple submitters, no conflicts (2 of 4 stars). 2 submissions from 2 submitters: Uncertain significance (2). Last evaluated 2024-02-02.

Submissions (2):

Labcorp Genetics (formerly Invitae), Labcorp
Classification: Uncertain significance. Last evaluated: 2024-02-02. Review status: criteria provided, single submitter. Criteria: Invitae Variant Classification Sherloc (09022015). Collection method: clinical testing. Allele origin: germline.
Comment: This sequence change replaces arginine, which is basic and polar, with proline, which is neutral and non-polar, at codon 125 of the RP1 protein (p.Arg125Pro). This variant is present in population databases (rs774403354, gnomAD 0.006%). This variant has not been reported in the literature in individuals affected with RP1-related conditions. Algorithms developed to predict the effect of missense changes on protein structure and function output the following: SIFT: "Not Available"; PolyPhen-2: "Benign"; Align-GVGD: "Not Available". The proline amino acid residue is found in multiple mammalian species, which suggests that this missense change does not adversely affect protein function. In summary, the available evidence is currently insufficient to determine the role of this variant in disease. Therefore, it has been classified as a Variant of Uncertain Significance.

Blueprint Genetics
Classification: Uncertain significance. Last evaluated: 2023-12-07. Review status: criteria provided, single submitter. Criteria: ACMG Guidelines, 2015. Collection method: clinical testing. Allele origin: germline.

NM_006269.2(RP1):c.374G>C (p.Arg125Pro)

Gene: RP1 (RP1 axonemal microtubule associated; plus strand). Cytogenetic location: 8q12.1.
Variant type: single nucleotide variant.
Coding change: c.374G>C on transcript NM_006269.2 (MANE Select); coding-DNA position 374, G replaced by C.
Protein change: p.Arg125Pro; replaces arginine 125 with proline.
Molecular consequence: missense variant.
Genome position (GRCh38, 1-based): chr8:54,621,340, G>C. VCF-style: chr8-54621340-G-C. GRCh37 (hg19) VCF-style: chr8-55533900-G-C.
Other names: c.374G>C, p.Arg125Pro (NM_001375654.1); short protein forms R125P.
Identifiers: ClinVar variation 3622612 (VCV003622612.3).